The following is an entry in ClinVar:

ClinVar aggregate classification (germline): Uncertain significance. Review status: criteria provided, multiple submitters, no conflicts (2 of 4 stars). 3 submissions from 3 submitters: Uncertain significance (3). Last evaluated 2025-09-13.

Conditions:
Malignant hyperthermia, susceptibility to, 1 (MHS1). Also called: Anesthesia related hyperthermia; Malignant hyperpyrexia; Fulminating hyperpyrexia; Pharmacogenic myopathy; RYR1-Related Malignant Hyperthermia Susceptibility; Malignant hyperthermia suceptibility 1. Identifiers: Orphanet 423, MedGen C2930980, MONDO:0007783, OMIM 145600.
RYR1-related disorder. Also called: RYR1-related disorders; RYR1-related condition. Identifiers: MedGen CN239331.

Allele frequency attached by ClinVar (database versions not stated): gnomAD exomes 0.00001 and 0.00004; TOPMed 0.00003; ExAC 0.00005; gnomAD 0.00005.
gnomAD v4.1: 31 of 1,614,002 alleles (0.0019%); highest among the groups gnomAD compares: Middle Eastern, 0.033%; no homozygotes.

Submissions (3):

Labcorp Genetics (formerly Invitae), Labcorp
Classification: Uncertain significance for RYR1-related disorder. Last evaluated: 2025-09-13. Review status: criteria provided, single submitter. Criteria: Invitae Variant Classification Sherloc (09022015). Collection method: clinical testing. Allele origin: germline.
Comment: This sequence change replaces arginine, which is basic and polar, with histidine, which is basic and polar, at codon 628 of the RYR1 protein (p.Arg628His). This variant is present in population databases (rs780833516, gnomAD 0.03%). This variant has not been reported in the literature in individuals affected with RYR1-related conditions. ClinVar contains an entry for this variant (Variation ID: 1413516). Invitae Evidence Modeling of protein sequence and biophysical properties (such as structural, functional, and spatial information, amino acid conservation, physicochemical variation, residue mobility, and thermodynamic stability) indicates that this missense variant is expected to disrupt RYR1 protein function with a positive predictive value of 95%. In summary, the available evidence is currently insufficient to determine the role of this variant in disease. Therefore, it has been classified as a Variant of Uncertain Significance.

Color Diagnostics, LLC DBA Color Health
Classification: Uncertain significance for Malignant hyperthermia, susceptibility to, 1. Last evaluated: 2024-03-06. Review status: criteria provided, single submitter. Criteria: ACMG Guidelines, 2015. Collection method: clinical testing. Allele origin: germline.
Comment: This missense variant replaces arginine with histidine at codon 628 of the RYR1 protein. Computational prediction suggests that this variant may have deleterious impact on protein structure and function. To our knowledge, functional studies have not been reported for this variant. This variant has not been reported in individuals affected with RYR1-related disorders in the literature. This variant has been identified in 9/251492 chromosomes in the general population by the Genome Aggregation Database (gnomAD). The available evidence is insufficient to determine the role of this variant in disease conclusively. Therefore, this variant is classified as a Variant of Uncertain Significance.

All of Us Research Program, National Institutes of Health
Classification: Uncertain significance for Malignant hyperthermia, susceptibility to, 1. Last evaluated: 2023-11-30. Review status: criteria provided, single submitter. Criteria: ACMG Guidelines, 2015. Collection method: clinical testing. Allele origin: germline. Inheritance: Autosomal dominant inheritance. Observed: 4 variant alleles, 4 heterozygotes.
Comment: This missense variant replaces arginine with histidine at codon 628 of the RYR1 protein. Computational prediction suggests that this variant may have deleterious impact on protein structure and function (internally defined REVEL score threshold >= 0.7, PMID: 27666373). To our knowledge, functional studies have not been reported for this variant. This variant has not been reported in individuals affected with malignant hyperthermia in the literature. This variant has been identified in 9/251492 chromosomes in the general population by the Genome Aggregation Database (gnomAD). The available evidence is insufficient to determine the role of this variant in disease conclusively. Therefore, this variant is classified as a Variant of Uncertain Significance.

This study involves interpretation of variants in research participants for the purpose of population health screening. Participant phenotype was not available at the time of variant classification. Additional details can be found in publication PMID: 35346344, PMCID: PMC8962531

NM_000540.3(RYR1):c.1883G>A (p.Arg628His)

Gene: RYR1 (ryanodine receptor 1; plus strand). Cytogenetic location: 19q13.2.
Variant type: single nucleotide variant.
Coding change: c.1883G>A on transcript NM_000540.3 (MANE Select); coding-DNA position 1883, G replaced by A.
Protein change: p.Arg628His; replaces arginine 628 with histidine.
Molecular consequence: missense variant.
Genome position (GRCh38, 1-based): chr19:38,457,588, G>A. VCF-style: chr19-38457588-G-A. GRCh37 (hg19) VCF-style: chr19-38948228-G-A.
Other names: c.1883G>A, p.Arg628His (NM_001042723.2); short protein forms R628H.
Identifiers: ClinVar variation 1413516 (VCV001413516.9), dbSNP rs780833516, ClinGen allele CA024318.